The following is an entry in ClinVar:

NM_024649.5(BBS1):c.981del (p.Ala328fs)

Genes: BBS1 (Bardet-Biedl syndrome 1; plus strand), ZDHHC24 (zDHHC palmitoyltransferase 24; minus strand). Cytogenetic location: 11q13.2.
Variant type: Deletion.
Coding change: c.981del on transcript NM_024649.5 (MANE Select); coding-DNA position 981, one base deleted (C; older notation c.981delC).
Protein change: p.Ala328fs; shifts the reading frame from alanine 328.
Molecular consequence: frameshift variant. On other transcripts: intron variant (1).
Genome position (GRCh38, 1-based): chr11:66,523,753, C deleted; the last of 3 consecutive C bases (chr11:66,523,751-66,523,753); deleting any one gives the same sequence. VCF-style (leftmost placement, unchanged base first): chr11-66523750-GC-G. GRCh37 (hg19) VCF-style: chr11-66291221-GC-G.
Other names: c.*22-2285del (NM_001348571.2); short protein forms A328fs.
Identifiers: ClinVar variation 370281 (VCV000370281.13), dbSNP rs1057516371, ClinGen allele CA16041529.

ClinVar aggregate classification (germline): Pathogenic/Likely pathogenic. Review status: criteria provided, multiple submitters, no conflicts (2 of 4 stars). 4 submissions from 4 submitters: Pathogenic (2); Likely pathogenic (1). 1 of the submissions does not count toward it. Last evaluated 2026-01-04.

Conditions:
Bardet-Biedl syndrome 1 (BBS1). Identifiers: MedGen C2936862, MONDO:0008854, OMIM 209900. Disease mechanism: loss of function.
Bardet-Biedl syndrome (BBS). Identifiers: Orphanet 110, MedGen C0752166, MONDO:0015229.

Submissions (4):

Labcorp Genetics (formerly Invitae), Labcorp
Classification: Pathogenic for Bardet-Biedl syndrome. Last evaluated: 2026-01-04. Review status: criteria provided, single submitter. Criteria: Invitae Variant Classification Sherloc (09022015). Collection method: clinical testing. Allele origin: germline.
Comment: This sequence change creates a premature translational stop signal (p.Ala328Glnfs*4) in the BBS1 gene. It is expected to result in an absent or disrupted protein product. Loss-of-function variants in BBS1 are known to be pathogenic (PMID: 12118255, 21520335, 27032803). This variant is not present in population databases (gnomAD no frequency). This variant has not been reported in the literature in individuals affected with BBS1-related conditions. ClinVar contains an entry for this variant (Variation ID: 370281). For these reasons, this variant has been classified as Pathogenic.

Baylor Genetics
Classification: Likely pathogenic for Bardet-Biedl syndrome 1. Last evaluated: 2022-09-27. Review status: criteria provided, single submitter. Criteria: ACMG Guidelines, 2015. Collection method: clinical testing. Allele origin: unknown.

Kasturba Medical College, Manipal, Kasturba Medical College, Manipal, Manipal Academy of Higher Education, Manipal, India
Classification: Pathogenic for Bardet-Biedl syndrome 1. Review status: criteria provided, single submitter. Criteria: ACMG Guidelines, 2015. Collection method: clinical testing. Allele origin: unknown. Inheritance: Autosomal recessive inheritance. Affected: yes. Observed: 1 homozygote.
Comment: In-silico analysis tools (MutationTaster, SIFT-Indel) are consistent in predicting the variant to be damaging to BBS1 protein function. This variant is likely to result in a shift in the reading frame, which results in the premature termination which is likely to result in either truncated protein or nonsense mediated mRNA decay. The variant c.981del has been reported as likely pathogenic/pathogenic variant by three submitters in the ClinVar database in individuals with Bardet-Biedl syndrome (ClinVar ID: 370281).

Counsyl
Classification: Likely pathogenic for Bardet-Biedl syndrome 1. Last evaluated: 2015-12-30. Review status: no assertion criteria provided. Collection method: clinical testing. Allele origin: unknown. Not counted in ClinVar's aggregate classification.

Literature cited by the submitters: PubMed 12118255 (cited by Labcorp Genetics (formerly Invitae), Labcorp); PubMed 21520335 (cited by Labcorp Genetics (formerly Invitae), Labcorp); PubMed 27032803 (cited by Labcorp Genetics (formerly Invitae), Labcorp).